The following is an entry in ClinVar:

ClinVar aggregate classification (germline): Uncertain significance (1 of 4 stars; one submission).

Conditions:
SCAPER-related disorder. Also called: SCAPER-related condition.

gnomAD v4.1: 5 of 1,586,236 alleles (0.00032%); highest among the groups gnomAD compares: Admixed American, 0.009%; no homozygotes.

Submission:

PreventionGenetics, part of Exact Sciences
Classification: Uncertain significance for SCAPER-related condition. Last evaluated: 2025-10-28. Review status: criteria provided, single submitter. Criteria: ACMG Guidelines, 2015. Collection method: clinical testing. Allele origin: germline.
Comment: The SCAPER c.1467C>G variant is predicted to result in the amino acid substitution p.Phe489Leu. To our knowledge, this variant has not been reported in the literature. This variant is reported in 0.017% of alleles in individuals of Latino descent in gnomAD. At this time, the clinical significance of this variant is uncertain due to the absence of conclusive functional and genetic evidence.

NM_020843.4(SCAPER):c.1449C>G (p.Phe483Leu)

Gene: SCAPER (S-phase cyclin A associated protein in the ER; minus strand). Cytogenetic location: 15q24.3.
Variant type: single nucleotide variant.
Coding change: c.1449C>G on transcript NM_020843.4 (MANE Select); coding-DNA position 1449, C replaced by G.
Protein change: p.Phe483Leu; replaces phenylalanine 483 with leucine.
Molecular consequence: missense variant. On other transcripts: non-coding transcript variant (1).
Genome position (GRCh38, 1-based): chr15:76,765,609, G>C on the plus strand (C>G on the coding strand, the complement: SCAPER is on the minus strand). VCF-style: chr15-76765609-G-C. GRCh37 (hg19) VCF-style: chr15-77057950-G-C.
Other names: c.711C>G, p.Phe237Leu (NM_001145923.2); c.1467C>G, p.Phe489Leu (NM_001353009.2); c.1047C>G, p.Phe349Leu (NM_001353010.2, NM_001353012.2); c.1065C>G, p.Phe355Leu (NM_001353011.2); short protein forms F355L, F237L, F483L, F489L, F349L.
Identifiers: ClinVar variation 4995741 (VCV004995741.1).
Genomic context (GRCh38, chr15:76,765,609, plus strand): 5'-CATATACACAATACCTTCATAATCTGCAAGGACATCGTTCCAGTCCATGGACATACCACA[G>C]AAAGAAACACTCCCACTGCCCATGCTGGCCTAAAATGTAATAAGGGAAGTTGAAAATCAA-3'
Protein context (NP_065894.2, residues 473-493): SASMGSGSVS[Phe483Leu]CGMSMDWNDV